The following is an entry in ClinVar:

ClinVar aggregate classification (germline): Uncertain significance (1 of 4 stars; one submission).

Submission:

GeneDx
Classification: Uncertain significance. Last evaluated: 2025-06-16. Review status: criteria provided, single submitter. Criteria: GeneDx Variant Classification Process June 2021. Collection method: clinical testing. Allele origin: germline. Affected: yes.
Comment: Not observed at significant frequency in large population cohorts (gnomAD); In silico analysis supports that this missense variant has a deleterious effect on protein structure/function; Has not been previously published as pathogenic or benign to our knowledge

NM_021098.3(CACNA1H):c.3004G>C (p.Gly1002Arg)

Gene: CACNA1H (calcium voltage-gated channel subunit alpha1 H; plus strand). Cytogenetic location: 16p13.3.
Variant type: single nucleotide variant.
Coding change: c.3004G>C on transcript NM_021098.3 (MANE Select); coding-DNA position 3004, G replaced by C.
Protein change: p.Gly1002Arg; replaces glycine 1002 with arginine.
Molecular consequence: missense variant.
Genome position (GRCh38, 1-based): chr16:1,207,371, G>C. VCF-style: chr16-1207371-G-C. GRCh37 (hg19) VCF-style: chr16-1257371-G-C.
Other names: c.3004G>C, p.Gly1002Arg (NM_001005407.2); short protein forms G1002R.
Identifiers: ClinVar variation 1710729 (VCV001710729.4), dbSNP rs2141308474, ClinGen allele CA394170430.